The following is an entry in ClinVar:

NM_002250.3(KCNN4):c.970A>G (p.Met324Val)

Gene: KCNN4 (potassium calcium-activated channel subfamily N member 4; minus strand). Cytogenetic location: 19q13.31.
Variant type: single nucleotide variant.
Coding change: c.970A>G on transcript NM_002250.3 (MANE Select); coding-DNA position 970, A replaced by G.
Protein change: p.Met324Val; replaces methionine 324 with valine.
Molecular consequence: missense variant.
Genome position (GRCh38, 1-based): chr19:43,769,521, T>C on the plus strand (A>G on the coding strand, the complement: KCNN4 is on the minus strand). VCF-style: chr19-43769521-T-C. GRCh37 (hg19) VCF-style: chr19-44273673-T-C.
Other names: short protein forms M324V.
Identifiers: ClinVar variation 2349305 (VCV002349305.5), dbSNP rs748400448, ClinGen allele CA9491852.
Genomic context (GRCh38, chr19:43,769,521, plus strand): 5'-GCTTGCGCTGATGCCTGCGGGCAGCATGAGACTCCTTCCTGCGAGTATGTTTGTAGAACA[T>C]CCAGGCTTCTTGTAGCACTCGGGCAGCGGACTCCTTCATCTGGGGGTGGGTGGCACAGTG-3'
Protein context (NP_002241.1, residues 314-334): SAARVLQEAW[Met324Val]FYKHTRRKES

ClinVar aggregate classification (germline): Uncertain significance. Review status: criteria provided, multiple submitters, no conflicts (2 of 4 stars). 3 submissions from 3 submitters: Uncertain significance (3). Last evaluated 2025-10-05.

Conditions:
Inborn genetic diseases. Identifiers: MedGen C0950123, MeSH D030342.
Dehydrated hereditary stomatocytosis 2 (DHS2). Also called: XEROCYTOSIS GARDOS; DESICCYTOSIS GARDOS. Identifiers: Orphanet 3202, MedGen C4225242, MONDO:0014737, OMIM 616689.

Allele frequency attached by ClinVar (database versions not stated): gnomAD 0.00001; gnomAD exomes 0.00001; TOPMed 0.00001; ExAC 0.00002.

Submissions (3):

Labcorp Genetics (formerly Invitae), Labcorp
Classification: Uncertain significance. Last evaluated: 2025-10-05. Review status: criteria provided, single submitter. Criteria: Invitae Variant Classification Sherloc (09022015). Collection method: clinical testing. Allele origin: germline.
Comment: This sequence change replaces methionine, which is neutral and non-polar, with valine, which is neutral and non-polar, at codon 324 of the KCNN4 protein (p.Met324Val). This variant is present in population databases (rs748400448, gnomAD 0.03%). This variant has not been reported in the literature in individuals affected with KCNN4-related conditions. ClinVar contains an entry for this variant (Variation ID: 2349305). Invitae Evidence Modeling of protein sequence and biophysical properties (such as structural, functional, and spatial information, amino acid conservation, physicochemical variation, residue mobility, and thermodynamic stability) indicates that this missense variant is not expected to disrupt KCNN4 protein function with a negative predictive value of 80%. In summary, the available evidence is currently insufficient to determine the role of this variant in disease. Therefore, it has been classified as a Variant of Uncertain Significance.

Revvity Omics, Revvity
Classification: Uncertain significance for Dehydrated hereditary stomatocytosis 2. Last evaluated: 2023-02-13. Review status: criteria provided, single submitter. Criteria: ACMG Guidelines, 2015. Collection method: clinical testing. Allele origin: germline.

Ambry Genetics
Classification: Uncertain significance for Inborn genetic diseases. Last evaluated: 2021-08-02. Review status: criteria provided, single submitter. Criteria: Ambry Variant Classification Scheme 2023. Collection method: clinical testing. Allele origin: germline.